The following is an entry in ClinVar:

NM_001303.4(COX10):c.679G>A (p.Val227Ile)

Gene: COX10 (cytochrome c oxidase assembly factor heme A:farnesyltransferase COX10; plus strand). Cytogenetic location: 17p12.
Variant type: single nucleotide variant.
Coding change: c.679G>A on transcript NM_001303.4 (MANE Select); coding-DNA position 679, G replaced by A.
Protein change: p.Val227Ile; replaces valine 227 with isoleucine.
Molecular consequence: missense variant.
Genome position (GRCh38, 1-based): chr17:14,159,931, G>A. VCF-style: chr17-14159931-G-A. GRCh37 (hg19) VCF-style: chr17-14063248-G-A.
Other names: short protein forms V227I.
Identifiers: ClinVar variation 1030369 (VCV001030369.9), dbSNP rs988356756, ClinGen allele CA288745519.

ClinVar aggregate classification (germline): Uncertain significance. Review status: criteria provided, multiple submitters, no conflicts (2 of 4 stars). 2 submissions from 2 submitters: Uncertain significance (2). Last evaluated 2022-01-16.

Conditions:
Mitochondrial complex IV deficiency, nuclear type 1 (MC4DN1). Also called: Mitochondrial complex IV deficiency; Complex 4 mitochondrial respiratory chain deficiency; Deficiency of mitochondrial respiratory chain complex4; Complex IV deficiency; COX DEFICIENCY. Identifiers: MedGen C5435656, MONDO:0700250, OMIM 220110. Disease mechanism: loss of function.

Allele frequency attached by ClinVar (database versions not stated): gnomAD exomes below 0.00001; gnomAD 0.00001 and 0.00002; TOPMed 0.00003.
gnomAD v4.1: 3 of 1,612,370 alleles (0.00019%); highest among the groups gnomAD compares: African/African-American, 0.0027%; no homozygotes.

Submissions (2):

Labcorp Genetics (formerly Invitae), Labcorp
Classification: Uncertain significance. Last evaluated: 2022-01-16. Review status: criteria provided, single submitter. Criteria: Invitae Variant Classification Sherloc (09022015). Collection method: clinical testing. Allele origin: germline.
Comment: This sequence change replaces valine, which is neutral and non-polar, with isoleucine, which is neutral and non-polar, at codon 227 of the COX10 protein (p.Val227Ile). In summary, the available evidence is currently insufficient to determine the role of this variant in disease. Therefore, it has been classified as a Variant of Uncertain Significance. Algorithms developed to predict the effect of missense changes on protein structure and function (SIFT, PolyPhen-2, Align-GVGD) all suggest that this variant is likely to be disruptive. ClinVar contains an entry for this variant (Variation ID: 1030369). This variant has not been reported in the literature in individuals affected with COX10-related conditions. This variant is present in population databases (no rsID available, gnomAD no frequency).

Baylor Genetics
Classification: Uncertain significance for Mitochondrial complex IV deficiency, nuclear type 1. Last evaluated: 2019-08-04. Review status: criteria provided, single submitter. Criteria: ACMG Guidelines, 2015. Collection method: clinical testing. Allele origin: unknown. Affected: yes.
Comment: This variant was determined to be of uncertain significance according to ACMG Guidelines, 2015 [PMID:25741868].